The following is an entry in ClinVar:

NM_000092.5(COL4A4):c.8C>T (p.Ser3Phe)

Gene: COL4A4 (collagen type IV alpha 4 chain; minus strand). Cytogenetic location: 2q36.3.
Variant type: single nucleotide variant.
Coding change: c.8C>T on transcript NM_000092.5 (MANE Select); coding-DNA position 8, C replaced by T.
Protein change: p.Ser3Phe; replaces serine 3 with phenylalanine.
Molecular consequence: missense variant.
Genome position (GRCh38, 1-based): chr2:227,147,476, G>A on the plus strand (C>T on the coding strand, the complement: COL4A4 is on the minus strand). VCF-style: chr2-227147476-G-A. GRCh37 (hg19) VCF-style: chr2-228012192-G-A.
Other names: short protein forms S3F.
Identifiers: ClinVar variation 751044 (VCV000751044.57), dbSNP rs201403066, ClinGen allele CA2145873.
Genomic context (GRCh38, chr2:227,147,476, plus strand): 5'-GGACCTGTGGCCAAGGACTTGGTCAATCTGAAGGAGCACCTCATTAGTACTATGTGCAGA[G>A]ACCACATCGCAGGCAAGTCTTAGTACTTAAAAAATATTCTGCCAGTCTTCTCTTCCAGAA-3'
Protein context (NP_000083.3, residues 1-13): MW[Ser3Phe]LHIVLMRCSF

ClinVar aggregate classification (germline): Conflicting classifications of pathogenicity. Review status: criteria provided, conflicting classifications (1 of 4 stars). 6 submissions from 6 submitters: Uncertain significance (4); Likely benign (1). 1 of the submissions does not count toward it. Last evaluated 2026-09-15.

Conditions:
Alport syndrome. Also called: Hemorrhagic familial nephritis; Hemorrhagic hereditary nephritis; Congenital hereditary hematuria. Identifiers: Orphanet 63, MedGen C1567741, MONDO:0018965.
Autosomal recessive Alport syndrome (ATS2). Also called: COL4A4 Alport Syndrome and Thin Basement Membrane Nephropathy; ALPORT SYNDROME 2, AUTOSOMAL RECESSIVE; COL4A3-Related Nephropathy; Alport syndrome type 2. Identifiers: Orphanet 63, Orphanet 88919, MedGen C4746745, MONDO:0008762, OMIM 203780.
Hematuria, benign familial, 1 (BFH1). Also called: THIN MEMBRANE NEPHROPATHY. Identifiers: MedGen CN376803, MONDO:0007709, OMIM 141200.
COL4A4-related disorder.

Allele frequency attached by ClinVar (database versions not stated): gnomAD 0.00006; ExAC 0.00007; gnomAD exomes 0.00008 and 0.00014; TOPMed 0.00009.
gnomAD v4.1: 146 of 1,613,474 alleles (0.009%); highest among the groups gnomAD compares: Non-Finnish European, 0.0049%; no homozygotes.

Submissions (6):

GeneDx
Classification: Uncertain significance. Last evaluated: 2026-09-15. Review status: criteria provided, single submitter. Criteria: GeneDx Variant Classification Process June 2021. Collection method: clinical testing. Allele origin: germline.
Comment: In silico analysis suggests that this missense variant does not alter protein structure/function; Has not been previously published as pathogenic or benign to our knowledge

Labcorp Genetics (formerly Invitae), Labcorp
Classification: Likely benign. Last evaluated: 2025-12-01. Review status: criteria provided, single submitter. Criteria: Invitae Variant Classification Sherloc (09022015). Collection method: clinical testing. Allele origin: germline.

PreventionGenetics, part of Exact Sciences
Classification: Uncertain significance for COL4A4-related condition. Last evaluated: 2025-03-12. Review status: criteria provided, single submitter. Criteria: ACMG Guidelines, 2015. Collection method: clinical testing. Allele origin: germline.
Comment: The COL4A4 c.8C>T variant is predicted to result in the amino acid substitution p.Ser3Phe. To our knowledge, this variant has not been reported in the literature. This variant is reported in 0.27% of alleles in individuals of Ashkenazi Jewish descent in gnomAD. Although we suspect that this variant may be benign, at this time, the clinical significance of this variant is uncertain due to the absence of conclusive functional and genetic evidence.

Fulgent Genetics
Classification: Uncertain significance for Hematuria, benign familial, 1; Autosomal recessive Alport syndrome. Last evaluated: 2024-02-21. Review status: criteria provided, single submitter. Criteria: ACMG Guidelines, 2015. Collection method: clinical testing. Allele origin: germline.

CeGaT Center for Human Genetics Tuebingen
Classification: Uncertain significance. Last evaluated: 2017-01-01. Review status: criteria provided, single submitter. Criteria: CeGaT Center For Human Genetics Tuebingen Variant Classification Criteria Version 2. Collection method: clinical testing. Allele origin: germline. Affected: yes. Observed: 1 variant allele.

Natera, Inc.
Classification: Uncertain significance for Alport syndrome. Last evaluated: 2020-01-17. Review status: no assertion criteria provided. Collection method: clinical testing. Allele origin: germline. Not counted in ClinVar's aggregate classification.